The following is an entry in ClinVar:

NM_003998.4(NFKB1):c.119-4T>A

Gene: NFKB1 (nuclear factor kappa B subunit 1; plus strand). Cytogenetic location: 4q24.
Variant type: single nucleotide variant.
Coding change: c.119-4T>A on transcript NM_003998.4 (MANE Select); 4 bases into the intron before coding-DNA position 119, T replaced by A.
Molecular consequence: intron variant.
Genome position (GRCh38, 1-based): chr4:102,533,841, T>A. VCF-style: chr4-102533841-T-A. GRCh37 (hg19) VCF-style: chr4-103454998-T-A.
Other names: c.119-4T>A (NM_001382626.1, NM_001382625.1); c.119-7T>A (NM_001382627.1, NM_001165412.2, NM_001319226.2); c.80-7T>A (NM_001382628.1).
Identifiers: ClinVar variation 2034297 (VCV002034297.4), dbSNP rs2476178780, ClinGen allele CA2580071265.

ClinVar aggregate classification (germline): Uncertain significance (1 of 4 stars; one submission).

Submission:

Labcorp Genetics (formerly Invitae), Labcorp
Classification: Uncertain significance. Last evaluated: 2023-02-01. Review status: criteria provided, single submitter. Criteria: Invitae Variant Classification Sherloc (09022015). Collection method: clinical testing. Allele origin: germline.
Comment: This sequence change falls in intron 3 of the NFKB1 gene. It does not directly change the encoded amino acid sequence of the NFKB1 protein. In summary, the available evidence is currently insufficient to determine the role of this variant in disease. Therefore, it has been classified as a Variant of Uncertain Significance. Algorithms developed to predict the effect of sequence changes on RNA splicing suggest that this variant may disrupt the consensus splice site. This variant has not been reported in the literature in individuals affected with NFKB1-related conditions. This variant is not present in population databases (gnomAD no frequency).